The following is an entry in ClinVar:

NM_005869.4(CWC27):c.939-40462A>T

Gene: CWC27 (CWC27 spliceosome associated cyclophilin; plus strand). Cytogenetic location: 5q12.3.
Variant type: single nucleotide variant.
Coding change: c.939-40462A>T on transcript NM_005869.4 (MANE Select); 40462 bases into the intron before coding-DNA position 939, A replaced by T.
Molecular consequence: intron variant. On other transcripts: nonsense (1).
Genome position (GRCh38, 1-based): chr5:64,844,981, A>T. VCF-style: chr5-64844981-A-T. GRCh37 (hg19) VCF-style: chr5-64140808-A-T.
Other names: c.997A>T, p.Lys333Ter (NM_001318000.2); c.939-40462A>T (NM_001297644.1, NM_001364478.1); c.997A>T (NM_001318000.1); short protein forms K333*.
Identifiers: ClinVar variation 4970582 (VCV004970582.2).
Genomic context (GRCh38, chr5:64,844,981, plus strand): 5'-AGGAAATTACTCTGCCTAACCTTGGAGCCCAGCCTACAGCCCGGCCCAACTGCAGATCTC[A>T]AATAGCAGAATTGCCCATCCAGGGAATACAACTTGCAACTGGCCTGATGAGAAGCCATCA-3'

ClinVar aggregate classification (germline): Likely benign. Review status: criteria provided, multiple submitters, no conflicts (2 of 4 stars). 2 submissions from 2 submitters: Likely benign (2). Last evaluated 2026-08-13.

Conditions:
CWC27-related disorder. Also called: CWC27-related condition.

gnomAD v4.1: 408 of 456,726 alleles (0.089%); highest among the groups gnomAD compares: African/African-American, 0.75%; 1 homozygote.

Submissions (2):

PreventionGenetics, part of Exact Sciences
Classification: Likely benign for CWC27-related condition. Last evaluated: 2026-08-13. Review status: criteria provided, single submitter. Criteria: ACMG Guidelines, 2015. Collection method: clinical testing. Allele origin: germline.
Comment: This variant is classified as likely benign based on ACMG/AMP sequence variant interpretation guidelines (Richards et al. 2015 PMID: 25741868, with internal and published modifications).

Blueprint Genetics
Classification: Likely benign. Last evaluated: 2024-06-13. Review status: criteria provided, single submitter. Criteria: ACMG Guidelines, 2015. Collection method: clinical testing. Allele origin: germline.